The following is an entry in ClinVar:

ClinVar aggregate classification (germline): Uncertain significance (1 of 4 stars; one submission).

Conditions:
Hereditary cancer-predisposing syndrome. Also called: Neoplastic Syndromes, Hereditary; Tumor predisposition; Hereditary neoplastic syndrome; Hereditary Cancer Syndrome. Identifiers: Orphanet 140162, MedGen C0027672, MeSH D009386, MONDO:0015356.

Submission:

Ambry Genetics
Classification: Uncertain significance for Hereditary cancer-predisposing syndrome. Last evaluated: 2026-07-06. Review status: criteria provided, single submitter. Criteria: Ambry Variant Classification Scheme 2023. Collection method: clinical testing. Allele origin: germline.
Comment: The p.S35T variant (also known as c.103T>A), located in coding exon 1 of the PHOX2B gene, results from a T to A substitution at nucleotide position 103. The serine at codon 35 is replaced by threonine, an amino acid with similar properties. This amino acid position is conserved. In addition, the in silico prediction for this alteration is inconclusive. Based on the available evidence, the clinical significance of this variant remains unclear.

NM_003924.4(PHOX2B):c.103T>A (p.Ser35Thr)

Genes: PHOX2B (paired like homeobox 2B; minus strand), PHOX2B-AS1 (PHOX2B antisense RNA 1; plus strand). Cytogenetic location: 4p13.
Variant type: single nucleotide variant.
Coding change: c.103T>A on transcript NM_003924.4 (MANE Select); coding-DNA position 103, T replaced by A.
Protein change: p.Ser35Thr; replaces serine 35 with threonine.
Molecular consequence: missense variant. On other transcripts: non-coding transcript variant (1).
Genome position (GRCh38, 1-based): chr4:41,748,508, A>T on the plus strand (T>A on the coding strand, the complement: PHOX2B is on the minus strand). VCF-style: chr4-41748508-A-T. GRCh37 (hg19) VCF-style: chr4-41750525-A-T.
Other names: short protein forms S35T.
Identifiers: ClinVar variation 5026547 (VCV005026547.1).